The following is an entry in ClinVar:

ClinVar aggregate classification (germline): Uncertain significance (1 of 4 stars; one submission).

Submission:

GeneDx
Classification: Uncertain significance. Last evaluated: 2022-08-16. Review status: criteria provided, single submitter. Criteria: GeneDx Variant Classification Process June 2021. Collection method: clinical testing. Allele origin: germline. Affected: yes.
Comment: Not observed at significant frequency in large population cohorts (gnomAD); In silico analysis supports that this missense variant does not alter protein structure/function; Has not been previously published as pathogenic or benign to our knowledge

NM_017757.3(ZNF407):c.664C>T (p.His222Tyr)

Gene: ZNF407 (zinc finger protein 407; plus strand). Cytogenetic location: 18q22.3.
Variant type: single nucleotide variant.
Coding change: c.664C>T on transcript NM_017757.3 (MANE Select); coding-DNA position 664, C replaced by T.
Protein change: p.His222Tyr; replaces histidine 222 with tyrosine.
Molecular consequence: missense variant.
Genome position (GRCh38, 1-based): chr18:74,631,683, C>T. VCF-style: chr18-74631683-C-T. GRCh37 (hg19) VCF-style: chr18-72343639-C-T.
Other names: c.664C>T, p.His222Tyr (NM_001146189.1, NM_001146190.1, NM_001384475.1); short protein forms H222Y.
Identifiers: ClinVar variation 2430484 (VCV002430484.1), dbSNP rs1984097933, ClinGen allele CA402753118.